The following is an entry in ClinVar:

NM_003072.5(SMARCA4):c.1118+7del

Gene: SMARCA4 (SWI/SNF related BAF chromatin remodeling complex subunit ATPase 4; plus strand). Cytogenetic location: 19p13.2.
Variant type: Deletion.
Coding change: c.1118+7del on transcript NM_003072.5 (MANE Select); 7 bases into the intron after coding-DNA position 1118, one base deleted (G; older notation c.1118+7delG).
Molecular consequence: intron variant.
Genome position (GRCh38, 1-based): chr19:10,987,931, G deleted; the last of 3 consecutive G bases (chr19:10,987,929-10,987,931); deleting any one gives the same sequence. VCF-style (leftmost placement, unchanged base first): chr19-10987928-AG-A. GRCh37 (hg19) VCF-style: chr19-11098604-AG-A.
Other names: c.1118+7del (NM_001128849.3, NM_001128847.4, NM_001387283.1 and 5 more transcripts); c.1118+7delG (NM_001128849.1).
Identifiers: ClinVar variation 415129 (VCV000415129.20), dbSNP rs774132615, ClinGen allele CA9203677.

ClinVar aggregate classification (germline): Conflicting classifications of pathogenicity. Review status: criteria provided, conflicting classifications (1 of 4 stars). 5 submissions from 5 submitters: Uncertain significance (1); Benign (1); Likely benign (2). 1 of the submissions does not count toward it. Last evaluated 2026-07-09.

Conditions:
SMARCA4-related disorder. Also called: SMARCA4-related condition.
Intellectual disability, autosomal dominant 16 (CSS4). Also called: COFFIN-SIRIS SYNDROME 4. Identifiers: Orphanet 1465, MedGen C3553249, MONDO:0013821, OMIM 614609.
Rhabdoid tumor predisposition syndrome 2 (RTPS2). Identifiers: Orphanet 231108, Orphanet 69077, MedGen C2750074, MONDO:0013224, OMIM 613325.

Submissions (5):

Myriad Genetics, Inc.
Classification: Benign for Rhabdoid tumor predisposition syndrome 2. Last evaluated: 2026-07-09. Review status: criteria provided, single submitter. Criteria: Myriad Autosomal Dominant, Autosomal Recessive and X-Linked Classification Criteria (2023). Collection method: clinical testing. Allele origin: unknown.
Comment: This variant is considered benign. This variant is intronic and is not expected to impact mRNA splicing. This variant has been observed at a population frequency that is significantly greater than expected given the associated disease prevalence and penetrance.

Labcorp Genetics (formerly Invitae), Labcorp
Classification: Likely benign for Rhabdoid tumor predisposition syndrome 2. Last evaluated: 2026-01-14. Review status: criteria provided, single submitter. Criteria: Invitae Variant Classification Sherloc (09022015). Collection method: clinical testing. Allele origin: germline.

Genome-Nilou Lab
Classification: Likely benign for Intellectual disability, autosomal dominant 16. Last evaluated: 2021-07-15. Review status: criteria provided, single submitter. Criteria: ACMG Guidelines, 2015. Collection method: clinical testing. Allele origin: germline. Affected: no.

Genetic Services Laboratory, University of Chicago
Classification: Uncertain significance. Last evaluated: 2016-11-14. Review status: criteria provided, single submitter. Criteria: ACMG Guidelines, 2015. Collection method: clinical testing. Allele origin: germline. Affected: no.

PreventionGenetics, part of Exact Sciences
Classification: Likely benign for SMARCA4-related condition. Last evaluated: 2023-04-05. Review status: no assertion criteria provided. Collection method: clinical testing. Allele origin: germline. Not counted in ClinVar's aggregate classification.
Comment: This variant is classified as likely benign based on ACMG/AMP sequence variant interpretation guidelines (Richards et al. 2015 PMID: 25741868, with internal and published modifications).